The following is an entry in ClinVar:

ClinVar aggregate classification (germline): Uncertain significance (1 of 4 stars; one submission).

Conditions:
Paroxysmal nonkinesigenic dyskinesia. Also called: Paroxysmal non-kinesigenic dyskinesia. Identifiers: Orphanet 98810, MedGen C1869117, MONDO:0700088.

Submission:

Labcorp Genetics (formerly Invitae), Labcorp
Classification: Uncertain significance for Paroxysmal nonkinesigenic dyskinesia. Last evaluated: 2025-02-12. Review status: criteria provided, single submitter. Criteria: Invitae Variant Classification Sherloc (09022015). Collection method: clinical testing. Allele origin: germline.
Comment: This sequence change affects a donor splice site in intron 3 of the PNKD gene. It is expected to disrupt RNA splicing. Variants that disrupt the donor or acceptor splice site typically lead to a loss of protein function (PMID: 16199547), however the current clinical and genetic evidence is not sufficient to establish whether loss-of-function variants in PNKD cause disease. This variant is not present in population databases (gnomAD no frequency). This variant has not been reported in the literature in individuals affected with PNKD-related conditions. Algorithms developed to predict the effect of sequence changes on RNA splicing suggest that this variant may disrupt the consensus splice site. In summary, the available evidence is currently insufficient to determine the role of this variant in disease. Therefore, it has been classified as a Variant of Uncertain Significance.

Literature cited by the submitters: PubMed 16199547.

NM_015488.5(PNKD):c.352+1G>A

Genes: CATIP-AS2 (CATIP antisense RNA 2; minus strand), PNKD (PNKD metallo-beta-lactamase domain containing; plus strand). Cytogenetic location: 2q35.
Variant type: single nucleotide variant.
Coding change: c.352+1G>A on transcript NM_015488.5 (MANE Select); the canonical splice donor site of the intron after coding-DNA position 352, G replaced by A.
Molecular consequence: splice donor variant.
Genome position (GRCh38, 1-based): chr2:218,339,899, G>A. VCF-style: chr2-218339899-G-A. GRCh37 (hg19) VCF-style: chr2-219204622-G-A.
Other names: c.280+1G>A (NM_022572.4).
Identifiers: ClinVar variation 4706480 (VCV004706480.1).